The following is an entry in ClinVar:

NM_000540.3(RYR1):c.4376A>G (p.His1459Arg)

Gene: RYR1 (ryanodine receptor 1; plus strand). Cytogenetic location: 19q13.2.
Variant type: single nucleotide variant.
Coding change: c.4376A>G on transcript NM_000540.3 (MANE Select); coding-DNA position 4376, A replaced by G.
Protein change: p.His1459Arg; replaces histidine 1459 with arginine.
Molecular consequence: missense variant.
Genome position (GRCh38, 1-based): chr19:38,477,792, A>G. VCF-style: chr19-38477792-A-G. GRCh37 (hg19) VCF-style: chr19-38968432-A-G.
Other names: c.4376A>G, p.His1459Arg (NM_001042723.2); short protein forms H1459R.
Identifiers: ClinVar variation 1302560 (VCV001302560.4), dbSNP rs767071972, ClinGen allele CA065987.

ClinVar aggregate classification (germline): Uncertain significance. Review status: criteria provided, multiple submitters, no conflicts (2 of 4 stars). 2 submissions from 2 submitters: Uncertain significance (2). Last evaluated 2022-07-19.

Conditions:
RYR1-related disorder. Also called: RYR1-related condition; RYR1-related disorders. Identifiers: MedGen CN239331.

Allele frequency attached by ClinVar (database versions not stated): gnomAD exomes below 0.00001; ExAC 0.00001.
gnomAD v4.1: 3 of 1,613,696 alleles (0.00019%); highest among the groups gnomAD compares: East Asian, 0.0022%; no homozygotes.

Submissions (2):

GeneDx
Classification: Uncertain significance. Last evaluated: 2022-07-19. Review status: criteria provided, single submitter. Criteria: GeneDx Variant Classification Process June 2021. Collection method: clinical testing. Allele origin: germline. Affected: yes.
Comment: Not observed at significant frequency in large population cohorts (gnomAD); In silico analysis, which includes protein predictors and evolutionary conservation, supports a deleterious effect; Has not been previously published as pathogenic or benign to our knowledge

Labcorp Genetics (formerly Invitae), Labcorp
Classification: Uncertain significance for RYR1-related disorder. Last evaluated: 2022-05-31. Review status: criteria provided, single submitter. Criteria: Invitae Variant Classification Sherloc (09022015). Collection method: clinical testing. Allele origin: germline.
Comment: This sequence change replaces histidine, which is basic and polar, with arginine, which is basic and polar, at codon 1459 of the RYR1 protein (p.His1459Arg). This variant is present in population databases (rs767071972, gnomAD 0.006%). This variant has not been reported in the literature in individuals affected with RYR1-related conditions. ClinVar contains an entry for this variant (Variation ID: 1302560). Advanced modeling of protein sequence and biophysical properties (such as structural, functional, and spatial information, amino acid conservation, physicochemical variation, residue mobility, and thermodynamic stability) performed at Invitae indicates that this missense variant is not expected to disrupt RYR1 protein function. In summary, the available evidence is currently insufficient to determine the role of this variant in disease. Therefore, it has been classified as a Variant of Uncertain Significance.